The following is an entry in ClinVar:

NC_000016.9:g.(?_29000828)_(29000930_?)del

Gene: LAT (linker for activation of T cells; plus strand). Cytogenetic location: 16p11.2.
Variant type: Deletion.
Identifiers: ClinVar variation 2423469 (VCV002423469.4).

ClinVar aggregate classification (germline): Uncertain significance (1 of 4 stars; one submission).

Submission:

Labcorp Genetics (formerly Invitae), Labcorp
Classification: Uncertain significance. Last evaluated: 2021-12-21. Review status: criteria provided, single submitter. Criteria: Invitae Variant Classification Sherloc (09022015). Collection method: clinical testing. Allele origin: germline.
Comment: In summary, the available evidence is currently insufficient to determine the role of this variant in disease. Therefore, it has been classified as a Variant of Uncertain Significance. Experimental studies and prediction algorithms are not available or were not evaluated, and the functional significance of this variant is currently unknown. This variant has not been reported in the literature in individuals affected with LAT-related conditions. This variant is a gross deletion of the genomic region encompassing exon(s) 9 of the LAT gene. This variant would be expected to be in-frame, preserving the integrity of the reading frame.